The following is an entry in ClinVar:

NM_001035.3(RYR2):c.12333C>G (p.Asn4111Lys)

Gene: RYR2 (ryanodine receptor 2; plus strand). Cytogenetic location: 1q43.
Variant type: single nucleotide variant.
Coding change: c.12333C>G on transcript NM_001035.3 (MANE Select); coding-DNA position 12333, C replaced by G.
Protein change: p.Asn4111Lys; replaces asparagine 4111 with lysine.
Molecular consequence: missense variant.
Genome position (GRCh38, 1-based): chr1:237,784,045, C>G. VCF-style: chr1-237784045-C-G. GRCh37 (hg19) VCF-style: chr1-237947345-C-G.
Other names: short protein forms N4111K.
Identifiers: ClinVar variation 2692935 (VCV002692935.3), dbSNP rs748716535, ClinGen allele CA345412989.

ClinVar aggregate classification (germline): Uncertain significance (1 of 4 stars; one submission).

Conditions:
Catecholaminergic polymorphic ventricular tachycardia 1. Also called: RYR2-Related Catecholaminergic Polymorphic Ventricular Tachycardia; VENTRICULAR TACHYCARDIA, CATECHOLAMINERGIC POLYMORPHIC, 1, WITH OR WITHOUT ATRIAL DYSFUNCTION AND/OR DILATED CARDIOMYOPATHY; VENTRICULAR TACHYCARDIA, STRESS-INDUCED POLYMORPHIC 1. Identifiers: Orphanet 3286, MedGen C1631597, MONDO:0011484, OMIM 604772.

Submission:

Labcorp Genetics (formerly Invitae), Labcorp
Classification: Uncertain significance for Catecholaminergic polymorphic ventricular tachycardia 1. Last evaluated: 2023-11-03. Review status: criteria provided, single submitter. Criteria: Invitae Variant Classification Sherloc (09022015). Collection method: clinical testing. Allele origin: germline.
Comment: This sequence change replaces asparagine, which is neutral and polar, with lysine, which is basic and polar, at codon 4111 of the RYR2 protein (p.Asn4111Lys). This variant is not present in population databases (gnomAD no frequency). This variant has not been reported in the literature in individuals affected with RYR2-related conditions. Advanced modeling of protein sequence and biophysical properties (such as structural, functional, and spatial information, amino acid conservation, physicochemical variation, residue mobility, and thermodynamic stability) performed at Invitae indicates that this missense variant is not expected to disrupt RYR2 protein function with a negative predictive value of 95%. In summary, the available evidence is currently insufficient to determine the role of this variant in disease. Therefore, it has been classified as a Variant of Uncertain Significance.